The following is an entry in ClinVar:

ClinVar aggregate classification (germline): Likely benign. Review status: criteria provided, multiple submitters, no conflicts (2 of 4 stars). 3 submissions from 3 submitters: Likely benign (2). 1 of the submissions does not count toward it. Last evaluated 2026-01-20.

Conditions:
LOXHD1-related disorder. Also called: LOXHD1-related condition.
Autosomal recessive nonsyndromic hearing loss 77. Identifiers: Orphanet 90636, MedGen C2746083, MONDO:0013119, OMIM 613079.

Allele frequency attached by ClinVar (database versions not stated): gnomAD 0.00001; gnomAD exomes 0.00001 and 0.00003; TOPMed 0.00002.
gnomAD v4.1: 14 of 1,551,608 alleles (0.0009%); highest among the groups gnomAD compares: Admixed American, 0.002%; no homozygotes.

Submissions (3):

Labcorp Genetics (formerly Invitae), Labcorp
Classification: Likely benign. Last evaluated: 2026-01-20. Review status: criteria provided, single submitter. Criteria: Invitae Variant Classification Sherloc (09022015). Collection method: clinical testing. Allele origin: germline.

PreventionGenetics, part of Exact Sciences
Classification: Likely benign for LOXHD1-related condition. Last evaluated: 2025-05-23. Review status: criteria provided, single submitter. Criteria: ACMG Guidelines, 2015. Collection method: clinical testing. Allele origin: germline.
Comment: This variant is classified as likely benign based on ACMG/AMP sequence variant interpretation guidelines (Richards et al. 2015 PMID: 25741868, with internal and published modifications).

Natera, Inc.
Classification: Uncertain significance for Autosomal recessive deafness type 77. Last evaluated: 2020-01-17. Review status: no assertion criteria provided. Collection method: clinical testing. Allele origin: germline. Not counted in ClinVar's aggregate classification.

NM_001384474.1(LOXHD1):c.5979G>A (p.Glu1993=)

Gene: LOXHD1 (lipoxygenase homology PLAT domains 1; minus strand). Cytogenetic location: 18q21.1.
Variant type: single nucleotide variant.
Coding change: c.5979G>A on transcript NM_001384474.1 (MANE Select); coding-DNA position 5979, G replaced by A.
Protein change: p.Glu1993=; no amino-acid change (glutamic acid 1993 retained).
Molecular consequence: synonymous variant.
Genome position (GRCh38, 1-based): chr18:46,489,042, C>T on the plus strand (G>A on the coding strand, the complement: LOXHD1 is on the minus strand). VCF-style: chr18-46489042-C-T. GRCh37 (hg19) VCF-style: chr18-44069005-C-T.
Other names: c.2646G>A, p.Glu882= (NM_001145472.3); c.696G>A, p.Glu232= (NM_001145473.3, NM_001173129.2); c.2358G>A, p.Glu786= (NM_001308013.2); c.5793G>A, p.Glu1931= (NM_144612.7).
Identifiers: ClinVar variation 764708 (VCV000764708.12), dbSNP rs1402378599, ClinGen allele CA503808439.